The following is an entry in ClinVar:

NM_007294.4(BRCA1):c.5037A>C (p.Leu1679=)

Gene: BRCA1 (BRCA1 DNA repair associated; minus strand). Cytogenetic location: 17q21.31.
Variant type: single nucleotide variant.
Coding change: c.5037A>C on transcript NM_007294.4 (MANE Select); coding-DNA position 5037, A replaced by C.
Protein change: p.Leu1679=; no amino-acid change (leucine 1679 retained).
Molecular consequence: synonymous variant. On other transcripts: intron variant (1).
Genome position (GRCh38, 1-based): chr17:43,067,645, T>G on the plus strand (A>C on the coding strand, the complement: BRCA1 is on the minus strand). VCF-style: chr17-43067645-T-G. GRCh37 (hg19) VCF-style: chr17-41219662-T-G.
Other names: c.1725A>C, p.Leu575= (NM_001407980.1, NM_001407981.1, NM_001407982.1 and 13 more transcripts); c.1722A>C, p.Leu574= (NM_001408392.1, NM_001408396.1, NM_001408397.1 and 8 more transcripts); c.1719A>C, p.Leu573= (NM_001408406.1, NM_001408407.1, NM_001408408.1); c.1716A>C, p.Leu572= (NM_001408409.1); c.1653A>C, p.Leu551= (NM_001408410.1); c.1650A>C, p.Leu550= (NM_001408411.1); c.1647A>C, p.Leu549= (NM_001408412.1, NM_001408413.1, NM_001408414.1 and 2 more transcripts); c.1611A>C, p.Leu537= (NM_001408418.1, NM_001408419.1, NM_001408420.1); and 71 more.
Identifiers: ClinVar variation 868548 (VCV000868548.3), dbSNP rs754256578, ClinGen allele CA500146347.

Conditions:
Breast-ovarian cancer, familial, susceptibility to, 1 (BROVCA1). Also called: BRCA1 Hereditary Breast and Ovarian Cancer; OVARIAN CANCER, SUSCEPTIBILITY TO. Identifiers: Orphanet 145, MedGen C2676676, MONDO:0011450, OMIM 604370. Disease mechanism: loss of function.

Submission:

Brotman Baty Institute, University of Washington
No classification provided (evidence only). Condition: Breast-ovarian cancer, familial 1. Review status: no classification provided. Collection method: in vitro. Allele origin: not applicable. Functional consequence: functionally_normal.
ClinVar note: "not provided" was previously submitted as the classification for the variant. However, the classification appeared to be based only on an observation of functional data so it was converted to no classification on 2025-07-30.